The following is an entry in ClinVar:

NM_005431.2(XRCC2):c.394T>C (p.Ser132Pro)

Gene: XRCC2 (X-ray repair cross complementing 2; minus strand). Cytogenetic location: 7q36.1.
Variant type: single nucleotide variant.
Coding change: c.394T>C on transcript NM_005431.2 (MANE Select); coding-DNA position 394, T replaced by C.
Protein change: p.Ser132Pro; replaces serine 132 with proline.
Molecular consequence: missense variant.
Genome position (GRCh38, 1-based): chr7:152,649,091, A>G on the plus strand (T>C on the coding strand, the complement: XRCC2 is on the minus strand). VCF-style: chr7-152649091-A-G. GRCh37 (hg19) VCF-style: chr7-152346176-A-G.
Other names: short protein forms S132P.
Identifiers: ClinVar variation 3224672 (VCV003224672.1), dbSNP rs2485881407, ClinGen allele CA370198796.
Genomic context (GRCh38, chr7:152,649,091, plus strand): 5'-ACAGGCTATCCAAAATCAAAAGGCAGAGAGATGGGTGACTACAAAACATACTTTCTAGTG[A>G]GTAAAGTGTAAGAAGTAAGTGGGTGCTACTACTGCAGTACACCAAAAAAAATCTTCCCAG-3'
Protein context (NP_005422.1, residues 122-142): SSTHLLLTLY[Ser132Pro]LESMFCSHPS

ClinVar aggregate classification (germline): Uncertain significance (1 of 4 stars; one submission).

Conditions:
Hereditary cancer-predisposing syndrome. Also called: Tumor predisposition; Hereditary neoplastic syndrome; Hereditary Cancer Syndrome; Neoplastic Syndromes, Hereditary. Identifiers: Orphanet 140162, MedGen C0027672, MeSH D009386, MONDO:0015356.

Submission:

Ambry Genetics
Classification: Uncertain significance for Hereditary cancer-predisposing syndrome. Last evaluated: 2023-01-12. Review status: criteria provided, single submitter. Criteria: Ambry Variant Classification Scheme 2023. Collection method: clinical testing. Allele origin: germline.
Comment: The p.S132P variant (also known as c.394T>C), located in coding exon 3 of the XRCC2 gene, results from a T to C substitution at nucleotide position 394. The serine at codon 132 is replaced by proline, an amino acid with similar properties. This amino acid position is conserved. In addition, the in silico prediction for this alteration is inconclusive. Since supporting evidence is limited at this time, the clinical significance of this alteration remains unclear.